The following is an entry in ClinVar:

ClinVar aggregate classification (germline): Benign. Review status: criteria provided, single submitter (1 of 4 stars). 2 submissions from 1 submitter: Benign (2). Last evaluated 2018-01-13.

Conditions:
Tuberous sclerosis 1 (TSC1). Identifiers: Orphanet 805, MedGen C1854465, MONDO:0008612, OMIM 191100.
Isolated focal cortical dysplasia type II (FCORD2). Also called: CORTICAL DYSPLASIA OF TAYLOR; Focal cortical dysplasia type II. Identifiers: Orphanet 268994, MedGen C1846385, MONDO:0011818, OMIM 607341, HP:0032051.

Allele frequency attached by ClinVar (database versions not stated): gnomAD exomes 0.00054; gnomAD 0.00148 and 0.00158; 1000 Genomes Project 30x 0.00156; 1000 Genomes Project 0.00160; TOPMed 0.00160.
gnomAD v4.1: 268 of 233,110 alleles (0.11%); highest among the groups gnomAD compares: African/African-American, 0.41%; no homozygotes.

Submissions (2):

Illumina Laboratory Services, Illumina
Classification: Benign for Isolated focal cortical dysplasia type II. Last evaluated: 2018-01-13. Review status: criteria provided, single submitter. Criteria: ICSL Variant Classification Criteria 13 December 2019. Collection method: clinical testing. Allele origin: germline.
Comment: This variant was observed in the ICSL laboratory as part of a predisposition screen in an ostensibly healthy population. It had not been previously curated by ICSL or reported in the Human Gene Mutation Database (HGMD: prior to June 1st, 2018), and was therefore a candidate for classification through an automated scoring system. Utilizing variant allele frequency, disease prevalence and penetrance estimates, and inheritance mode, an automated score was calculated to assess if this variant is too frequent to cause the disease. Based on the score and internal cut-off values, a variant classified as benign is not then subjected to further curation. The score for this variant resulted in a classification of benign for this disease.

Illumina Laboratory Services, Illumina
Classification: Benign for Tuberous sclerosis 1. Last evaluated: 2018-01-13. Review status: criteria provided, single submitter. Criteria: ICSL Variant Classification Criteria 13 December 2019. Collection method: clinical testing. Allele origin: germline.
Comment: the same text as in the submission from Illumina Laboratory Services, Illumina above.

NM_000368.5(TSC1):c.*2874G>A

Gene: TSC1 (TSC complex subunit 1; minus strand). Cytogenetic location: 9q34.13.
Variant type: single nucleotide variant.
Coding change: c.*2874G>A on transcript NM_000368.5 (MANE Select); 2874 bases downstream of the stop codon, G replaced by A.
Molecular consequence: 3 prime UTR variant.
Genome position (GRCh38, 1-based): chr9:132,893,361, C>T on the plus strand (G>A on the coding strand, the complement: TSC1 is on the minus strand). VCF-style: chr9-132893361-C-T. GRCh37 (hg19) VCF-style: chr9-135768748-C-T.
Other names: c.*2874G>A (NM_001162426.2, NM_001162427.2, NM_001362177.2).
Identifiers: ClinVar variation 365434 (VCV000365434.5), dbSNP rs111832812, ClinGen allele CA10632970.